The following is an entry in ClinVar:

NM_001042492.3(NF1):c.4003A>T (p.Asn1335Tyr)

Gene: NF1 (neurofibromin 1; plus strand). Cytogenetic location: 17q11.2.
Variant type: single nucleotide variant.
Coding change: c.4003A>T on transcript NM_001042492.3 (MANE Select); coding-DNA position 4003, A replaced by T.
Protein change: p.Asn1335Tyr; replaces asparagine 1335 with tyrosine.
Molecular consequence: missense variant.
Genome position (GRCh38, 1-based): chr17:31,249,012, A>T. VCF-style: chr17-31249012-A-T. GRCh37 (hg19) VCF-style: chr17-29576030-A-T.
Other names: c.4003A>T, p.Asn1335Tyr (NM_000267.4); short protein forms N1335Y.
Identifiers: ClinVar variation 1736952 (VCV001736952.4), dbSNP rs2151451360, ClinGen allele CA398994869.

ClinVar aggregate classification (germline): Uncertain significance. Review status: criteria provided, multiple submitters, no conflicts (2 of 4 stars). 2 submissions from 2 submitters: Uncertain significance (2). Last evaluated 2025-03-06.

Conditions:
Cardiovascular phenotype. Identifiers: MedGen CN230736.
Hereditary cancer-predisposing syndrome. Also called: Hereditary Cancer Syndrome; Hereditary neoplastic syndrome; Neoplastic Syndromes, Hereditary; Tumor predisposition. Identifiers: Orphanet 140162, MedGen C0027672, MeSH D009386, MONDO:0015356.

Submissions (2):

Ambry Genetics
Classification: Uncertain significance for Cardiovascular phenotype; Hereditary cancer-predisposing syndrome. Last evaluated: 2025-03-06. Review status: criteria provided, single submitter. Criteria: Ambry Variant Classification Scheme 2023. Collection method: clinical testing. Allele origin: germline.
Comment: The p.N1335Y variant (also known as c.4003A>T), located in coding exon 30 of the NF1 gene, results from an A to T substitution at nucleotide position 4003. The asparagine at codon 1335 is replaced by tyrosine, an amino acid with dissimilar properties. This amino acid position is highly conserved in available vertebrate species. In addition, this alteration is predicted to be deleterious by in silico analysis. Based on the available evidence, the clinical significance of this variant remains unclear.

Blueprint Genetics
Classification: Uncertain significance. Last evaluated: 2022-05-17. Review status: criteria provided, single submitter. Criteria: ACMG Guidelines, 2015. Collection method: clinical testing. Allele origin: germline.